The following is an entry in ClinVar:

NM_024665.7(TBL1XR1):c.353C>A (p.Ala118Asp)

Gene: TBL1XR1 (TBL1X/Y related 1; minus strand). Cytogenetic location: 3q26.32.
Variant type: single nucleotide variant.
Coding change: c.353C>A on transcript NM_024665.7 (MANE Select); coding-DNA position 353, C replaced by A.
Protein change: p.Ala118Asp; replaces alanine 118 with aspartic acid.
Molecular consequence: missense variant.
Genome position (GRCh38, 1-based): chr3:177,051,578, G>T on the plus strand (C>A on the coding strand, the complement: TBL1XR1 is on the minus strand). VCF-style: chr3-177051578-G-T. GRCh37 (hg19) VCF-style: chr3-176769366-G-T.
Other names: c.353C>A, p.Ala118Asp (NM_001321193.3, NM_001321194.3, NM_001374327.1 and 2 more transcripts); c.92C>A, p.Ala31Asp (NM_001321195.3, NM_001374330.1); short protein forms A118D, A31D.
Identifiers: ClinVar variation 850719 (VCV000850719.10), dbSNP rs749382891, ClinGen allele CA355553195.
Genomic context (GRCh38, chr3:177,051,578, plus strand): 5'-GCTCCATTCTCCTCCCCATTTGCTGTGTTTTCTCCATTTTTTGCAGATCCTTGTTGGCTG[G>T]CTGCAGCTGCGGCAGCTGCAGCAGCTGCTGCCTGTTGCTGTGCAAGCTTATCTCTATAAG-3'
Protein context (NP_078941.2, residues 108-128): AAAAAAAAAA[Ala118Asp]SQQGSAKNGE

ClinVar aggregate classification (germline): Uncertain significance (1 of 4 stars; one submission).

Conditions:
Pierpont syndrome (PRPTS). Identifiers: Orphanet 487825, MedGen C1865644, MONDO:0011213, OMIM 602342.

Submission:

Labcorp Genetics (formerly Invitae), Labcorp
Classification: Uncertain significance for Pierpont syndrome. Last evaluated: 2019-12-23. Review status: criteria provided, single submitter. Criteria: Invitae Variant Classification Sherloc (09022015). Collection method: clinical testing. Allele origin: germline.
Comment: This sequence change replaces alanine with aspartic acid at codon 118 of the TBL1XR1 protein (p.Ala118Asp). The alanine residue is weakly conserved and there is a moderate physicochemical difference between alanine and aspartic acid. This variant is not present in population databases (ExAC no frequency). This variant has not been reported in the literature in individuals with TBL1XR1-related conditions. Algorithms developed to predict the effect of missense changes on protein structure and function are either unavailable or do not agree on the potential impact of this missense change (SIFT: "Deleterious"; PolyPhen-2: "Benign"; Align-GVGD: "Class C0"). In summary, the available evidence is currently insufficient to determine the role of this variant in disease. Therefore, it has been classified as a Variant of Uncertain Significance.